The following is an entry in ClinVar:

Conditions:
Long QT syndrome 5 (LQT5). Identifiers: Orphanet 101016, Orphanet 768, MedGen C1867904, MONDO:0013372, OMIM 613695.

Submission:

Roden Lab, Vanderbilt University Medical Center
No classification provided (evidence only). Condition: Long QT syndrome 5. Review status: no classification provided. Collection method: in vitro. Allele origin: not applicable. Functional consequence: Effect on ion channel function.
ClinVar note: "not provided" was previously submitted as the classification for the variant. However, the classification appeared to be based only on an observation of functional data so it was converted to no classification on 2025-07-30.

NM_000219.6(KCNE1):c.209A>C (p.Lys70Thr)

Gene: KCNE1 (potassium voltage-gated channel subfamily E regulatory subunit 1; minus strand). Cytogenetic location: 21q22.12.
Variant type: single nucleotide variant.
Coding change: c.209A>C on transcript NM_000219.6 (MANE Select); coding-DNA position 209, A replaced by C.
Protein change: p.Lys70Thr; replaces lysine 70 with threonine.
Molecular consequence: missense variant.
Genome position (GRCh38, 1-based): chr21:34,449,426, T>G on the plus strand (A>C on the coding strand, the complement: KCNE1 is on the minus strand). VCF-style: chr21-34449426-T-G. GRCh37 (hg19) VCF-style: chr21-35821724-T-G.
Other names: c.209A>C, p.Lys70Thr (NM_001127668.4, NM_001127669.4, NM_001127670.4 and 4 more transcripts); short protein forms K70T.
Identifiers: ClinVar variation 3374334 (VCV003374334.2).
Genomic context (GRCh38, chr21:34,449,426, plus strand): 5'-TTCTCTTGCCAGGCATCGGACTCGATGTAGACGTTGAATGGGTCGTTCGAGTGCTCCAGC[T>G]TCTTGGAGCGGATGTAGCTCAGCATGATGCCCAGGGTGAAGAAGCCGAAGAATCCCAGTA-3'
Protein context (NP_000210.2, residues 60-80): GIMLSYIRSK[Lys70Thr]LEHSNDPFNV